The following is an entry in ClinVar:

NM_002693.3(POLG):c.2266-16C>T

Gene: POLG (DNA polymerase gamma, catalytic subunit; minus strand). Cytogenetic location: 15q26.1.
Variant type: single nucleotide variant.
Coding change: c.2266-16C>T on transcript NM_002693.3 (MANE Select); 16 bases into the intron before coding-DNA position 2266, C replaced by T.
Molecular consequence: intron variant.
Genome position (GRCh38, 1-based): chr15:89,322,918, G>A on the plus strand (C>T on the coding strand, the complement: POLG is on the minus strand). VCF-style: chr15-89322918-G-A. GRCh37 (hg19) VCF-style: chr15-89866149-G-A.
Other names: c.2266-16C>T (NM_001126131.2).
Identifiers: ClinVar variation 3012605 (VCV003012605.3), dbSNP rs2509227410, ClinGen allele CA2740096760.

ClinVar aggregate classification (germline): Uncertain significance (1 of 4 stars; one submission).

Conditions:
Progressive sclerosing poliodystrophy (MTDPS4A). Also called: Mitochondrial DNA Depletion Syndrome 4A; ALPERS PROGRESSIVE INFANTILE POLIODYSTROPHY; NEURONAL DEGENERATION OF CHILDHOOD WITH LIVER DISEASE, PROGRESSIVE; Mitochondrial DNA depletion syndrome 4A (Alpers type); Alpers Syndrome; ALPERS DIFFUSE DEGENERATION OF CEREBRAL GRAY MATTER WITH HEPATIC CIRRHOSIS. Identifiers: Orphanet 726, MedGen C0205710, MONDO:0008758, OMIM 203700.

Submission:

Labcorp Genetics (formerly Invitae), Labcorp
Classification: Uncertain significance for Progressive sclerosing poliodystrophy. Last evaluated: 2022-11-06. Review status: criteria provided, single submitter. Criteria: Invitae Variant Classification Sherloc (09022015). Collection method: clinical testing. Allele origin: germline.
Comment: This variant is not present in population databases (gnomAD no frequency). In summary, the available evidence is currently insufficient to determine the role of this variant in disease. Therefore, it has been classified as a Variant of Uncertain Significance. Algorithms developed to predict the effect of sequence changes on RNA splicing suggest that this variant may disrupt the consensus splice site. This variant has not been reported in the literature in individuals affected with POLG-related conditions. This sequence change falls in intron 13 of the POLG gene. It does not directly change the encoded amino acid sequence of the POLG protein.